The following is an entry in ClinVar:

ClinVar aggregate classification (germline): Uncertain significance (1 of 4 stars; one submission).

Conditions:
Gorlin syndrome. Also called: Basal cell nevus syndrome; Nevoid Basal Cell Carcinoma Syndrome. Identifiers: Orphanet 377, MedGen C0004779, MONDO:0007187.

Allele frequency attached by ClinVar (database versions not stated): gnomAD exomes below 0.00001.
gnomAD v4.1: 1 of 1,614,210 alleles (0.000062%); highest among the groups gnomAD compares: Non-Finnish European, 0.000085%; no homozygotes.

Submission:

Labcorp Genetics (formerly Invitae), Labcorp
Classification: Uncertain significance for Gorlin syndrome. Last evaluated: 2017-04-11. Review status: criteria provided, single submitter. Criteria: Invitae Variant Classification Sherloc (09022015). Collection method: clinical testing. Allele origin: germline.
Comment: This sequence change replaces glutamic acid with lysine at codon 1410 of the PTCH1 protein (p.Glu1410Lys). The glutamic acid residue is weakly conserved and there is a small physicochemical difference between glutamic acid and lysine. In summary, this variant is a novel missense change that is not predicted to affect protein function. There is no indication that it causes disease, but the available evidence is currently insufficient to prove that conclusively. Therefore, it has been classified as a Variant of Uncertain Significance. Algorithms developed to predict the effect of missense changes on protein structure and function (SIFT, PolyPhen-2, Align-GVGD) all suggest that this variant is likely to be tolerated, but these predictions have not been confirmed by published functional studies. This variant is not present in population databases (ExAC no frequency) and has not been reported in the literature in individuals with a PTCH1-related disease.

NM_000264.5(PTCH1):c.4228G>A (p.Glu1410Lys)

Gene: PTCH1 (patched 1; minus strand). Cytogenetic location: 9q22.32.
Variant type: single nucleotide variant.
Coding change: c.4228G>A on transcript NM_000264.5 (MANE Select); coding-DNA position 4228, G replaced by A.
Protein change: p.Glu1410Lys; replaces glutamic acid 1410 with lysine.
Molecular consequence: missense variant. On other transcripts: non-coding transcript variant (1).
Genome position (GRCh38, 1-based): chr9:95,447,028, C>T on the plus strand (G>A on the coding strand, the complement: PTCH1 is on the minus strand). VCF-style: chr9-95447028-C-T. GRCh37 (hg19) VCF-style: chr9-98209310-C-T.
Other names: c.4030G>A, p.Glu1344Lys (NM_001083602.3); c.4225G>A, p.Glu1409Lys (NM_001083603.3); c.3775G>A, p.Glu1259Lys (NM_001083604.3, NM_001083605.3, NM_001083606.3 and 1 more transcripts); c.4072G>A, p.Glu1358Lys (NM_001354918.2); short protein forms E1410K, E1344K, E1358K, E1259K, E1409K.
Identifiers: ClinVar variation 453886 (VCV000453886.9), dbSNP rs1554688143, ClinGen allele CA374110073.